The following is an entry in ClinVar:

NM_144997.7(FLCN):c.1493A>T (p.Asp498Val)

Gene: FLCN (folliculin; minus strand). Cytogenetic location: 17p11.2.
Variant type: single nucleotide variant.
Coding change: c.1493A>T on transcript NM_144997.7 (MANE Select); coding-DNA position 1493, A replaced by T.
Protein change: p.Asp498Val; replaces aspartic acid 498 with valine.
Molecular consequence: missense variant.
Genome position (GRCh38, 1-based): chr17:17,215,030, T>A on the plus strand (A>T on the coding strand, the complement: FLCN is on the minus strand). VCF-style: chr17-17215030-T-A. GRCh37 (hg19) VCF-style: chr17-17118344-T-A.
Other names: c.1547A>T, p.Asp516Val (NM_001353229.2); c.1493A>T, p.Asp498Val (NM_001353230.2, NM_001353231.2); short protein forms D516V, D498V.
Identifiers: ClinVar variation 943652 (VCV000943652.8), dbSNP rs2046868475, ClinGen allele CA398530847.

ClinVar aggregate classification (germline): Uncertain significance. Review status: criteria provided, multiple submitters, no conflicts (2 of 4 stars). 2 submissions from 2 submitters: Uncertain significance (2). Last evaluated 2026-07-02.

Conditions:
Birt-Hogg-Dube syndrome. Also called: Birt Hogg Dubé syndrome. Identifiers: Orphanet 122, MedGen C0346010, MONDO:0800444.
Hereditary cancer-predisposing syndrome. Also called: Neoplastic Syndromes, Hereditary; Hereditary Cancer Syndrome; Tumor predisposition; Hereditary neoplastic syndrome. Identifiers: Orphanet 140162, MedGen C0027672, MeSH D009386, MONDO:0015356.

Submissions (2):

Ambry Genetics
Classification: Uncertain significance for Hereditary cancer-predisposing syndrome. Last evaluated: 2026-07-02. Review status: criteria provided, single submitter. Criteria: Ambry Variant Classification Scheme 2023. Collection method: clinical testing. Allele origin: germline.
Comment: The p.D498V variant (also known as c.1493A>T), located in coding exon 10 of the FLCN gene, results from an A to T substitution at nucleotide position 1493. The aspartic acid at codon 498 is replaced by valine, an amino acid with highly dissimilar properties. This amino acid position is conserved. In addition, the in silico prediction for this alteration is inconclusive. Based on the available evidence, the clinical significance of this variant remains unclear.

Labcorp Genetics (formerly Invitae), Labcorp
Classification: Uncertain significance for Birt-Hogg-Dube syndrome. Last evaluated: 2024-10-16. Review status: criteria provided, single submitter. Criteria: Invitae Variant Classification Sherloc (09022015). Collection method: clinical testing. Allele origin: germline.
Comment: This sequence change replaces aspartic acid, which is acidic and polar, with valine, which is neutral and non-polar, at codon 498 of the FLCN protein (p.Asp498Val). This variant is not present in population databases (gnomAD no frequency). This variant has not been reported in the literature in individuals affected with FLCN-related conditions. ClinVar contains an entry for this variant (Variation ID: 943652). Invitae Evidence Modeling of protein sequence and biophysical properties (such as structural, functional, and spatial information, amino acid conservation, physicochemical variation, residue mobility, and thermodynamic stability) indicates that this missense variant is not expected to disrupt FLCN protein function with a negative predictive value of 80%. In summary, the available evidence is currently insufficient to determine the role of this variant in disease. Therefore, it has been classified as a Variant of Uncertain Significance.